The following is an entry in ClinVar:

NM_024675.4(PALB2):c.3296C>G (p.Thr1099Arg)

Gene: PALB2 (partner and localizer of BRCA2; minus strand). Cytogenetic location: 16p12.2.
Variant type: single nucleotide variant.
Coding change: c.3296C>G on transcript NM_024675.4 (MANE Select); coding-DNA position 3296, C replaced by G.
Protein change: p.Thr1099Arg; replaces threonine 1099 with arginine.
Molecular consequence: missense variant.
Genome position (GRCh38, 1-based): chr16:23,607,918, G>C on the plus strand (C>G on the coding strand, the complement: PALB2 is on the minus strand). VCF-style: chr16-23607918-G-C. GRCh37 (hg19) VCF-style: chr16-23619239-G-C.
Other names: short protein forms T1099R.
Identifiers: ClinVar variation 142504 (VCV000142504.68), dbSNP rs142132127, ClinGen allele CA168538.

ClinVar aggregate classification (germline): Conflicting classifications of pathogenicity. Review status: criteria provided, conflicting classifications (1 of 4 stars). 26 submissions from 25 submitters: Uncertain significance (16); Benign (2); Likely benign (5). 3 of the submissions do not count toward it. Last evaluated 2026-07-20.

Conditions:
Breast-ovarian cancer, familial, susceptibility to, 5 (BROVCA5). Identifiers: MedGen C5830615, MONDO:0957530, OMIM 620442.
PALB2-related disorder. Also called: PALB2-related condition; PALB2-related disorders.
Pancreatic cancer, susceptibility to, 3. Identifiers: Orphanet 1333, MedGen C3150547, MONDO:0013236, OMIM 613348.
Fanconi anemia complementation group N. Also called: PALB2-Related Fanconi Anemia. Identifiers: Orphanet 84, MedGen C1835817, MONDO:0012565, OMIM 610832. Disease mechanism: loss of function.
Familial cancer of breast. Also called: BREAST CANCER, FAMILIAL; Hereditary breast cancer; hereditary breast carcinoma. Identifiers: Orphanet 227535, MedGen C0346153, MONDO:0016419, OMIM 114480. Disease mechanism: loss of function.
Hereditary cancer-predisposing syndrome. Also called: Tumor predisposition; Neoplastic Syndromes, Hereditary; Hereditary neoplastic syndrome; Hereditary Cancer Syndrome. Identifiers: Orphanet 140162, MedGen C0027672, MeSH D009386, MONDO:0015356.
Hereditary breast ovarian cancer syndrome. Also called: Hereditary breast and ovarian cancer syndrome; Hereditary breast and ovarian cancer; Hereditary breast and ovarian cancer syndrome (HBOC); Hereditary breast and/or ovarian cancer syndrome; BRCA1- and BRCA2-Associated Hereditary Breast and Ovarian Cancer; Breast and ovarian cancer. Identifiers: Orphanet 145, MedGen C0677776, MeSH D061325, MONDO:0003582. Disease mechanism: loss of function.

Allele frequency attached by ClinVar (database versions not stated): TOPMed 0.00002; gnomAD 0.00003.
gnomAD v4.1: 57 of 1,614,060 alleles (0.0035%); highest among the groups gnomAD compares: Middle Eastern, 0.066%; no homozygotes.

Submissions 1 to 9 of 26:

PreventionGenetics, part of Exact Sciences
Classification: Uncertain significance for PALB2-related condition. Last evaluated: 2026-07-20. Review status: criteria provided, single submitter. Criteria: ACMG Guidelines, 2015. Collection method: clinical testing. Allele origin: germline.
Comment: The PALB2 c.3296C>G variant is predicted to result in the amino acid substitution p.Thr1099Arg. This variant has been reported in individuals with breast/ovarian cancer (Supporting Table 1, Tung et al. 2015. PubMed ID: 25186627; Table S4, Ramus et al. 2015. PubMed ID: 26315354; Table S1, Gonzalez et al. 2022. PubMed ID: 35610400) and colorectal cancer (Table A3, Abe et al. 2019. PubMed ID: 30883245; Table S3, Zhunussova et al. 2019. PubMed ID: 31428572). However, it has also been observed at similar frequencies in cases (0.099%) and controls (0.0075%) in a large breast cancer association study (Supplemental Data, Breast Cancer Association Consortium et al. 2021. PubMed ID: 33471991). This variant has also been reported in an individual with gastric cancer who was also heterozygous for a pathogenic nonsense variant (p.Arg379*) in the CHEK2 gene (Table 1, Zhang et al. 2023. PubMed ID: 36627197). In vitro studies found that mammalian cell lines expressing the p.Thr1099Arg variant retained homology-direct repair activity similar to cells expressing wild type protein (Wiltshire et al. 2020. PubMed ID: 31636395). This variant is reported in 0.029% of alleles in individuals of Ashkenazi Jewish descent in gnomAD and has conflicting interpretations in the ClinVar database ranging from uncertain significance to benign (Variation ID: 142504). Although we suspect that the p.Thr1099Arg variant may be benign, the clinical significance of this variant is uncertain at this time due to the absence of conclusive functional and genetic evidence.

Labcorp Genetics (formerly Invitae), Labcorp
Classification: Likely benign for Familial cancer of breast. Last evaluated: 2026-01-17. Review status: criteria provided, single submitter. Criteria: Invitae Variant Classification Sherloc (09022015). Collection method: clinical testing. Allele origin: germline.

Center for Genomic Medicine, Rigshospitalet, Copenhagen University Hospital
Classification: Likely benign. Last evaluated: 2025-12-29. Review status: criteria provided, single submitter. Criteria: ACMG Guidelines, 2015. Collection method: clinical testing. Allele origin: germline.
Comment: Classification criteria: BP1_supporting, BS1_strong

Color Diagnostics, LLC DBA Color Health
Classification: Likely benign for Hereditary cancer-predisposing syndrome. Last evaluated: 2025-11-11. Review status: criteria provided, single submitter. Criteria: ACMG Guidelines, 2015. Collection method: clinical testing. Allele origin: germline.

Women's Health and Genetics/Laboratory Corporation of America, LabCorp
Classification: Benign. Last evaluated: 2025-09-19. Review status: criteria provided, single submitter. Criteria: LabCorp Variant Classification Summary - May 2015. Collection method: clinical testing. Allele origin: germline.
Comment: Variant summary: PALB2 c.3296C>G (p.Thr1099Arg) results in a non-conservative amino acid change in the encoded protein sequence. Algorithms developed to predict the effect of missense changes on protein structure and function are either unavailable or do not agree on the potential impact of this missense change. The variant allele was found at a frequency of 3.5e-05 in 1614060 control chromosomes, predominantly at a frequency of 0.00012 within the South Asian subpopulation in the gnomAD database. This frequency is not significantly higher than estimated for disease-causing variants in PALB2, allowing no conclusion about variant significance. However, in the Ashkenazi Jewish subpopulation the frequency in the gnomAD database (0.00041) exceeded the maximum expected frequency for a pathogenic allele (0.00028). c.3296C>G has been reported in the literature in a homozygous individual affected with features inconsistent with PALB2-associated Fanconi anemia type N who was given a presumed molecular diagnosis of Fanconi anemia (Abdulkareem_2024). It has also been reported in the heterozygous state in multiple individuals affected with various cancers without strong evidence for causality and no evidence of familial segregation with disease (e.g. Ramus_2015, Tung_2015, Tung_2016, Abe_2019, Zhunussova_2019, Gonzalez_2022, Zhang_2023, Doddato_2021, Akcay_2021). These report(s) do not provide unequivocal conclusions about association of the variant with Fanconi Anemia Type N. In at least 2 individuals, this variant was reported in the homozygous state or in trans with a likely pathogenic/pathogenic in the absence of symptoms consistent with recessive PALB2-related disease (ClinVar, internal data). At least one publication reports experimental evidence evaluating an impact on protein function. These results showed no damaging effect of this variant (Wiltshire_2019). The following publications have been ascertained in the context of this evaluation (PMID: 38476606, 30883245, 35610400, 31422574, 26315354, 25186627, 26976419, 31636395, 36627197, 31428572, 30638972, 34026625, 35402282, 32658311, 30541756, 30842647, 33195396, 31159747, 33139182, 31857685, 23861464, 34485163, 29719599, 31206626). ClinVar contains an entry for this variant (Variation ID: 142504). Based on the evidence outlined above, the variant was classified as benign.

Ambry Genetics
Classification: Uncertain significance for Hereditary cancer-predisposing syndrome. Last evaluated: 2025-08-14. Review status: criteria provided, single submitter. Criteria: Ambry Variant Classification Scheme 2023. Collection method: clinical testing. Allele origin: germline.
Comment: The p.T1099R variant (also known as c.3296C>G), located in coding exon 12 of the PALB2 gene, results from a C to G substitution at nucleotide position 3296. The threonine at codon 1099 is replaced by arginine, an amino acid with similar properties. This alteration has previously been reported in individuals at risk for hereditary breast, ovarian, and pancreatic cancers (Tung N et al. Cancer. 2015 Jan;121(1):25-33; Ramus SJ et al. J. Natl. Cancer Inst. 2015 Aug;27;107(11); Decker B et al. J Med Genet. 2017 11;54:732-741; Abe T et al. J. Clin. Oncol. 2019 05;37(13):1070-1080; Tsaousis GN et al. BMC Cancer. 2019 Jun;19:535). This variant was also reported in 6/60,466 breast cancer cases and in 4/53,461 controls (Dorling et al. N Engl J Med. 2021 02;384:428-439). This variant has been identified in the homozygous state in an individual with features consistent with Fanconi anemia (Abdulkareem AA et al. Biomed Rep, 2024 Apr;20:67). This alteration was found to be functional in a homology-directed DNA repair (HDR) assay (Wiltshire T et al. Genet. Med. 2020 Mar;22(3):622-632). This amino acid position is highly conserved in available vertebrate species. In addition, the in silico prediction for this alteration is inconclusive. Based on the available evidence, the clinical significance of this variant remains unclear.

Revvity Omics, Revvity
Classification: Uncertain significance. Last evaluated: 2025-07-25. Review status: criteria provided, single submitter. Criteria: ACMG Guidelines, 2015. Collection method: clinical testing. Allele origin: germline.

GeneDx
Classification: Uncertain significance. Last evaluated: 2025-05-07. Review status: criteria provided, single submitter. Criteria: GeneDx Variant Classification Process June 2021. Collection method: clinical testing. Allele origin: germline. Affected: yes.
Comment: Published functional studies demonstrate no damaging effect: homology directed DNA repair activity similar to wild type (PMID: 31636395); In silico analysis supports that this missense variant has a deleterious effect on protein structure/function; Observed in individuals with breast, ovarian, pancreatic, or colorectal cancer, but also in unaffected controls (PMID: 26315354, 28779002, 25186627, 31428572, 33471991, 30883245, 36627197, 35610400); This variant is associated with the following publications: (PMID: 25186627, 26315354, 26976419, 28779002, 31159747, 31422574, 30883245, 33471991, 31428572, 31636395, 24485656, 19609323, 20871615, 36627197, 35610400, 38476606, 35402282)

German Consortium for Hereditary Breast and Ovarian Cancer, University Hospital Cologne
Classification: Likely benign for Hereditary breast ovarian cancer syndrome. Last evaluated: 2025-04-07. Review status: criteria provided, single submitter. Criteria: ClinGen PALB2 V1.1.0. Collection method: curation. Allele origin: germline.
Comment: According to the ClinGen ACMG PALB2 v1.1.0 criteria we chose these criteria: BP1 (supporting benign): Apply to all missense variants, BP4 (supporting benign): SpliceAI: 0.06 , BS1 (strong benign): gnomAD v4.1.0 Grpmax Filtering AF (Total) = 0.0002254 (= 0.02%, thus > 0,01%)